The following is an entry in ClinVar:

NM_016239.4(MYO15A):c.1624C>A (p.Leu542Ile)

Gene: MYO15A (myosin XVA; plus strand). Cytogenetic location: 17p11.2.
Variant type: single nucleotide variant.
Coding change: c.1624C>A on transcript NM_016239.4 (MANE Select); coding-DNA position 1624, C replaced by A.
Protein change: p.Leu542Ile; replaces leucine 542 with isoleucine.
Molecular consequence: missense variant.
Genome position (GRCh38, 1-based): chr17:18,120,424, C>A. VCF-style: chr17-18120424-C-A. GRCh37 (hg19) VCF-style: chr17-18023738-C-A.
Other names: short protein forms L542I.
Identifiers: ClinVar variation 3391553 (VCV003391553.2).

ClinVar aggregate classification (germline): Uncertain significance. Review status: criteria provided, multiple submitters, no conflicts (2 of 4 stars). 2 submissions from 2 submitters: Uncertain significance (2). Last evaluated 2024-12-17.

Conditions:
Inborn genetic diseases. Identifiers: MedGen C0950123, MeSH D030342.

gnomAD v4.1: 19 of 1,597,224 alleles (0.0012%); highest among the groups gnomAD compares: Admixed American, 0.0017%; no homozygotes.

Submissions (2):

Ambry Genetics
Classification: Uncertain significance for Inborn genetic diseases. Last evaluated: 2024-12-17. Review status: criteria provided, single submitter. Criteria: Ambry Variant Classification Scheme 2023. Collection method: clinical testing. Allele origin: germline.

GeneDx
Classification: Uncertain significance. Last evaluated: 2024-06-21. Review status: criteria provided, single submitter. Criteria: GeneDx Variant Classification Process June 2021. Collection method: clinical testing. Allele origin: germline. Affected: yes.
Comment: Not observed at significant frequency in large population cohorts (gnomAD); In silico analysis indicates that this missense variant does not alter protein structure/function; Has not been previously published as pathogenic or benign to our knowledge